The following is an entry in ClinVar:

NM_001099922.3(ALG13):c.2529+5T>C

Gene: ALG13 (ALG13 UDP-N-acetylglucosaminyltransferase subunit; plus strand). Cytogenetic location: Xq23.
Variant type: single nucleotide variant.
Coding change: c.2529+5T>C on transcript NM_001099922.3 (MANE Select); 5 bases into the intron after coding-DNA position 2529, T replaced by C.
Molecular consequence: intron variant.
Genome position (GRCh38, 1-based): chrX:111,735,127, T>C. VCF-style: chrX-111735127-T-C. GRCh37 (hg19) VCF-style: chrX-110978355-T-C.
Other names: c.2217+5T>C (NM_001257237.2, NM_001257234.2, NM_001257230.2); c.2043+5T>C (NM_001324293.1); c.2295+5T>C (NM_001257231.2); c.2529+5T>C (NM_001324292.2).
Identifiers: ClinVar variation 473112 (VCV000473112.9), dbSNP rs749420976, ClinGen allele CA10493922.

ClinVar aggregate classification (germline): Uncertain significance (1 of 4 stars; one submission).

Conditions:
Developmental and epileptic encephalopathy, 36 (DEE36). Also called: Epileptic encephalopathy, early infantile, 36; Congenital disorder of glycosylation, type Is; ALG13-CDG. Identifiers: Orphanet 324422, MedGen C4317295, MONDO:0010472, OMIM 300884.

Allele frequency attached by ClinVar (database versions not stated): gnomAD exomes 0.00001 and below 0.00001; ExAC 0.00001.
gnomAD v4.1: 2 of 1,137,405 alleles (0.00018%); highest among the groups gnomAD compares: Admixed American, 0.0022%; no homozygotes.

Submission:

Labcorp Genetics (formerly Invitae), Labcorp
Classification: Uncertain significance for Developmental and epileptic encephalopathy, 36. Last evaluated: 2024-05-08. Review status: criteria provided, single submitter. Criteria: Invitae Variant Classification Sherloc (09022015). Collection method: clinical testing. Allele origin: germline.
Comment: This sequence change falls in intron 22 of the ALG13 gene. It does not directly change the encoded amino acid sequence of the ALG13 protein. It affects a nucleotide within the consensus splice site. This variant is present in population databases (rs749420976, gnomAD 0.004%). This variant has not been reported in the literature in individuals affected with ALG13-related conditions. ClinVar contains an entry for this variant (Variation ID: 473112). Variants that disrupt the consensus splice site are a relatively common cause of aberrant splicing (PMID: 17576681, 9536098). Algorithms developed to predict the effect of sequence changes on RNA splicing suggest that this variant is not likely to affect RNA splicing. In summary, the available evidence is currently insufficient to determine the role of this variant in disease. Therefore, it has been classified as a Variant of Uncertain Significance.

Literature cited by the submitters: PubMed 17576681; PubMed 9536098.